The following is an entry in ClinVar:

ClinVar aggregate classification (germline): Uncertain significance (1 of 4 stars; one submission).

Conditions:
Inborn genetic diseases. Identifiers: MedGen C0950123, MeSH D030342.

Allele frequency attached by ClinVar (database versions not stated): gnomAD exomes 0.00001.
gnomAD v4.1: 11 of 1,527,768 alleles (0.00072%); highest among the groups gnomAD compares: South Asian, 0.012%; no homozygotes.

Submission:

Ambry Genetics
Classification: Uncertain significance for Inborn genetic diseases. Last evaluated: 2020-12-31. Review status: criteria provided, single submitter. Criteria: Ambry Variant Classification Scheme 2023. Collection method: clinical testing. Allele origin: germline.
Comment: The c.241A>G (p.T81A) alteration is located in exon 1 (coding exon 1) of the MLYCD gene. This alteration results from a A to G substitution at nucleotide position 241, causing the threonine (T) at amino acid position 81 to be replaced by an alanine (A). The p.T81A alteration is predicted to be tolerated by in silico analysis. Based on insufficient or conflicting evidence, the clinical significance of this alteration remains unclear.

NM_012213.3(MLYCD):c.241A>G (p.Thr81Ala)

Gene: MLYCD (malonyl-CoA decarboxylase; plus strand). Cytogenetic location: 16q23.3.
Variant type: single nucleotide variant.
Coding change: c.241A>G on transcript NM_012213.3 (MANE Select); coding-DNA position 241, A replaced by G.
Protein change: p.Thr81Ala; replaces threonine 81 with alanine.
Molecular consequence: missense variant.
Genome position (GRCh38, 1-based): chr16:83,899,385, A>G. VCF-style: chr16-83899385-A-G. GRCh37 (hg19) VCF-style: chr16-83932990-A-G.
Other names: short protein forms T81A.
Identifiers: ClinVar variation 2205300 (VCV002205300.2), dbSNP rs1359176148, ClinGen allele CA396917932.